The following is an entry in ClinVar:

ClinVar aggregate classification (germline): Uncertain significance (1 of 4 stars; one submission).

Conditions:
Hypertrophic cardiomyopathy. Also called: HYPERTROPHIC MYOCARDIOPATHY. Identifiers: Orphanet 217569, MedGen C0007194, MeSH D002312, MONDO:0005045, HP:0001639.

Allele frequency attached by ClinVar (database versions not stated): gnomAD exomes below 0.00001 and 0.00001; TOPMed below 0.00001; ExAC 0.00001; gnomAD 0.00001.
gnomAD v4.1: 8 of 1,612,442 alleles (0.0005%); highest among the groups gnomAD compares: Non-Finnish European, 0.00059%; no homozygotes.

Submission:

Labcorp Genetics (formerly Invitae), Labcorp
Classification: Uncertain significance for Hypertrophic cardiomyopathy. Last evaluated: 2022-03-22. Review status: criteria provided, single submitter. Criteria: Invitae Variant Classification Sherloc (09022015). Collection method: clinical testing. Allele origin: germline.
Comment: In summary, the available evidence is currently insufficient to determine the role of this variant in disease. Therefore, it has been classified as a Variant of Uncertain Significance. Algorithms developed to predict the effect of missense changes on protein structure and function (SIFT, PolyPhen-2, Align-GVGD) all suggest that this variant is likely to be tolerated. This variant has not been reported in the literature in individuals affected with MYOZ2-related conditions. This variant is present in population databases (rs761283496, gnomAD 0.0009%). This sequence change replaces glutamine, which is neutral and polar, with arginine, which is basic and polar, at codon 76 of the MYOZ2 protein (p.Gln76Arg).

NM_016599.5(MYOZ2):c.227A>G (p.Gln76Arg)

Gene: MYOZ2 (myozenin 2; plus strand). Cytogenetic location: 4q26.
Variant type: single nucleotide variant.
Coding change: c.227A>G on transcript NM_016599.5 (MANE Select); coding-DNA position 227, A replaced by G.
Protein change: p.Gln76Arg; replaces glutamine 76 with arginine.
Molecular consequence: missense variant.
Genome position (GRCh38, 1-based): chr4:119,151,022, A>G. VCF-style: chr4-119151022-A-G. GRCh37 (hg19) VCF-style: chr4-120072177-A-G.
Other names: short protein forms Q76R.
Identifiers: ClinVar variation 1414355 (VCV001414355.6), dbSNP rs761283496, ClinGen allele CA3058564.
Genomic context (GRCh38, chr4:119,151,022, plus strand): 5'-GGCTATTTAAGATGCGTCAAAGAAGATCTGACAAATACACATTTGAAAATTTCCAGTATC[A>G]ATCTAGAGCACAAATAAATGTAGGTATAACTTGAACAGGTAGTATCCAAATGAATGCGCA-3'
Protein context (NP_057683.1, residues 66-86): DKYTFENFQY[Gln76Arg]SRAQINHSIA